The following is an entry in ClinVar:

ClinVar aggregate classification (germline): Uncertain significance (1 of 4 stars; one submission).

Conditions:
Adams-Oliver syndrome 5 (AOS5). Identifiers: Orphanet 974, MedGen C4014970, MONDO:0014459, OMIM 616028.

Allele frequency attached by ClinVar (database versions not stated): gnomAD exomes below 0.00001; TOPMed 0.00001.
gnomAD v4.1: 7 of 1,604,640 alleles (0.00044%); highest among the groups gnomAD compares: South Asian, 0.0011%; no homozygotes.

Submission:

Labcorp Genetics (formerly Invitae), Labcorp
Classification: Uncertain significance for Adams-Oliver syndrome 5. Last evaluated: 2022-07-09. Review status: criteria provided, single submitter. Criteria: Invitae Variant Classification Sherloc (09022015). Collection method: clinical testing. Allele origin: germline.
Comment: In summary, the available evidence is currently insufficient to determine the role of this variant in disease. Therefore, it has been classified as a Variant of Uncertain Significance. Algorithms developed to predict the effect of missense changes on protein structure and function (SIFT, PolyPhen-2, Align-GVGD) all suggest that this variant is likely to be disruptive. This missense change has been observed in individual(s) with tetralogy of Fallot (PMID: 30582441). The frequency data for this variant in the population databases is considered unreliable, as metrics indicate poor data quality at this position in the gnomAD database. This sequence change replaces glycine, which is neutral and non-polar, with arginine, which is basic and polar, at codon 72 of the NOTCH1 protein (p.Gly72Arg).

Literature cited by the submitters: PubMed 30582441.

NM_017617.5(NOTCH1):c.214G>A (p.Gly72Arg)

Gene: NOTCH1 (notch receptor 1; minus strand). Cytogenetic location: 9q34.3.
Variant type: single nucleotide variant.
Coding change: c.214G>A on transcript NM_017617.5 (MANE Select); coding-DNA position 214, G replaced by A.
Protein change: p.Gly72Arg; replaces glycine 72 with arginine.
Molecular consequence: missense variant.
Genome position (GRCh38, 1-based): chr9:136,523,906, C>T on the plus strand (G>A on the coding strand, the complement: NOTCH1 is on the minus strand). VCF-style: chr9-136523906-C-T. GRCh37 (hg19) VCF-style: chr9-139418358-C-T.
Other names: short protein forms G72R.
Identifiers: ClinVar variation 2164792 (VCV002164792.4), dbSNP rs892114222, ClinGen allele CA201590554.